The following is an entry in ClinVar:

ClinVar aggregate classification (germline): Uncertain significance. Review status: criteria provided, multiple submitters, no conflicts (2 of 4 stars). 6 submissions from 6 submitters: Uncertain significance (5). 1 of the submissions does not count toward it. Last evaluated 2026-01-24.

Conditions:
Menke-Hennekam syndrome 1 (MKHK1). Identifiers: MedGen C5193034, MONDO:0020763, OMIM 618332.
Rubinstein-Taybi syndrome due to CREBBP mutations (RSTS1). Also called: Rubinstein-Taybi syndrome 1; CREBBP-Related Rubinstein-Taybi Syndrome; BROAD THUMBS AND GREAT TOES, CHARACTERISTIC FACIES, AND IMPAIRED INTELLECTUAL DEVELOPMENT; RUBINSTEIN SYNDROME; RUBINSTEIN-TAYBI SYNDROME 1, INCOMPLETE; BROAD THUMB-HALLUX SYNDROME. Identifiers: Orphanet 353277, Orphanet 783, MedGen C4551859, MONDO:0008393, OMIM 180849.
Intellectual disability. Also called: Intellectual developmental disorder; Intellectual functioning disability; intellectual disabilities. Identifiers: MedGen C3714756, MeSH D008607, MONDO:0001071, HP:0001249.
CREBBP-related disorder. Also called: CREBBP-related condition; CREBBP-related disorders.
Rubinstein-Taybi syndrome (RSTS). Identifiers: Orphanet 783, MedGen C0035934, MONDO:0019188.
Inborn genetic diseases. Identifiers: MedGen C0950123, MeSH D030342.

Allele frequency attached by ClinVar (database versions not stated): gnomAD 0.00001.
gnomAD v4.1: 3 of 1,605,400 alleles (0.00019%); highest among the groups gnomAD compares: Admixed American, 0.0017%; no homozygotes.

Submissions (6):

Labcorp Genetics (formerly Invitae), Labcorp
Classification: Uncertain significance for Rubinstein-Taybi syndrome. Last evaluated: 2026-01-24. Review status: criteria provided, single submitter. Criteria: Invitae Variant Classification Sherloc (09022015). Collection method: clinical testing. Allele origin: germline.
Comment: This sequence change replaces methionine, which is neutral and non-polar, with isoleucine, which is neutral and non-polar, at codon 2042 of the CREBBP protein (p.Met2042Ile). This variant is not present in population databases (gnomAD no frequency). This variant has not been reported in the literature in individuals affected with CREBBP-related conditions. ClinVar contains an entry for this variant (Variation ID: 970435). Invitae Evidence Modeling of protein sequence and biophysical properties (such as structural, functional, and spatial information, amino acid conservation, physicochemical variation, residue mobility, and thermodynamic stability) indicates that this missense variant is not expected to disrupt CREBBP protein function with a negative predictive value of 95%. In summary, the available evidence is currently insufficient to determine the role of this variant in disease. Therefore, it has been classified as a Variant of Uncertain Significance.

PreventionGenetics, part of Exact Sciences
Classification: Uncertain significance for CREBBP-related condition. Last evaluated: 2025-12-23. Review status: criteria provided, single submitter. Criteria: ACMG Guidelines, 2015. Collection method: clinical testing. Allele origin: germline.
Comment: The CREBBP c.6126G>T variant is predicted to result in the amino acid substitution p.Met2042Ile. To our knowledge, this variant has not been reported in the literature or in a large population database (gnomAD), indicating this variant is rare. At this time, the clinical significance of this variant is uncertain due to the absence of conclusive functional and genetic evidence.

Women's Health and Genetics/Laboratory Corporation of America, LabCorp
Classification: Uncertain significance. Last evaluated: 2024-07-18. Review status: criteria provided, single submitter. Criteria: LabCorp Variant Classification Summary - May 2015. Collection method: clinical testing. Allele origin: germline.
Comment: Variant summary: CREBBP c.6126G>T (p.Met2042Ile) results in a conservative amino acid change in the encoded protein sequence. Four of five in-silico tools predict a benign effect of the variant on protein function. The variant allele was found at a frequency of 1.9e-06 in 1605400 control chromosomes (gnomAD database v4). The available data on variant occurrences in the general population are insufficient to allow any conclusion about variant significance. To our knowledge, no occurrence of c.6126G>T in individuals affected with Rubinstein-Taybi Syndrome and no experimental evidence demonstrating its impact on protein function have been reported. ClinVar contains an entry for this variant (Variation ID: 970435). Based on the evidence outlined above, the variant was classified as uncertain significance.

Fulgent Genetics
Classification: Uncertain significance for Rubinstein-Taybi syndrome due to CREBBP mutations; Menke-Hennekam syndrome 1. Last evaluated: 2024-06-24. Review status: criteria provided, single submitter. Criteria: ACMG Guidelines, 2015. Collection method: clinical testing. Allele origin: germline.

Ambry Genetics
Classification: Uncertain significance for Inborn genetic diseases. Last evaluated: 2019-01-08. Review status: criteria provided, single submitter. Criteria: Ambry Variant Classification Scheme 2023. Collection method: clinical testing. Allele origin: germline.
Comment: The p.M2042I variant (also known as c.6126G>T), located in coding exon 31 of the CREBBP gene, results from a G to T substitution at nucleotide position 6126. The methionine at codon 2042 is replaced by isoleucine, an amino acid with highly similar properties. This amino acid position is highly conserved through mammals but not in all available vertebrate species. In addition, the in silico prediction for this alteration is inconclusive. Since supporting evidence is limited at this time, the clinical significance of this alteration remains unclear.

Centre de Biologie Pathologie Génétique, Centre Hospitalier Universitaire de Lille
Classification: Likely benign for Intellectual disability. Last evaluated: 2019-01-01. Review status: no assertion criteria provided. Collection method: clinical testing. Allele origin: inherited. Affected: yes. Not counted in ClinVar's aggregate classification.

NM_004380.3(CREBBP):c.6126G>T (p.Met2042Ile)

Gene: CREBBP (CREB binding lysine acetyltransferase; minus strand). Cytogenetic location: 16p13.3.
Variant type: single nucleotide variant.
Coding change: c.6126G>T on transcript NM_004380.3 (MANE Select); coding-DNA position 6126, G replaced by T.
Protein change: p.Met2042Ile; replaces methionine 2042 with isoleucine.
Molecular consequence: missense variant.
Genome position (GRCh38, 1-based): chr16:3,728,921, C>A on the plus strand (G>T on the coding strand, the complement: CREBBP is on the minus strand). VCF-style: chr16-3728921-C-A. GRCh37 (hg19) VCF-style: chr16-3778922-C-A.
Other names: c.6012G>T, p.Met2004Ile (NM_001079846.1); short protein forms M2004I, M2042I.
Identifiers: ClinVar variation 970435 (VCV000970435.16), dbSNP rs1052723403, ClinGen allele CA276971775.